The following is an entry in ClinVar:

NM_000214.3(JAG1):c.3620G>A (p.Ser1207Asn)

Gene: JAG1 (jagged canonical Notch ligand 1; minus strand). Cytogenetic location: 20p12.2.
Variant type: single nucleotide variant.
Coding change: c.3620G>A on transcript NM_000214.3 (MANE Select); coding-DNA position 3620, G replaced by A.
Protein change: p.Ser1207Asn; replaces serine 1207 with asparagine.
Molecular consequence: missense variant.
Genome position (GRCh38, 1-based): chr20:10,639,535, C>T on the plus strand (G>A on the coding strand, the complement: JAG1 is on the minus strand). VCF-style: chr20-10639535-C-T. GRCh37 (hg19) VCF-style: chr20-10620183-C-T.
Other names: c.3620G>A (NM_000214.2); short protein forms S1207N.
Identifiers: ClinVar variation 2038139 (VCV002038139.5), dbSNP rs1431420265, ClinGen allele CA408242284.

ClinVar aggregate classification (germline): Uncertain significance. Review status: criteria provided, multiple submitters, no conflicts (2 of 4 stars). 2 submissions from 2 submitters: Uncertain significance (2). Last evaluated 2023-08-04.

Conditions:
JAG1-related disorder. Also called: JAG1-related disorders; JAG1-related condition.
Alagille syndrome due to a JAG1 point mutation. Also called: Alagille Syndrome 1; HEPATIC DUCTULAR HYPOPLASIA, SYNDROMATIC; JAG1-Related Alagille Syndrome. Identifiers: Orphanet 261619, Orphanet 52, MedGen C1956125, MONDO:0016862, OMIM 118450.

Allele frequency attached by ClinVar (database versions not stated): TOPMed below 0.00001; gnomAD 0.00001.
gnomAD v4.1: 1 of 1,614,090 alleles (0.000062%); highest among the groups gnomAD compares: Non-Finnish European, 0.000085%; no homozygotes.

Submissions (2):

Labcorp Genetics (formerly Invitae), Labcorp
Classification: Uncertain significance for Alagille syndrome due to a JAG1 point mutation. Last evaluated: 2023-08-04. Review status: criteria provided, single submitter. Criteria: Invitae Variant Classification Sherloc (09022015). Collection method: clinical testing. Allele origin: germline.
Comment: This sequence change replaces serine, which is neutral and polar, with asparagine, which is neutral and polar, at codon 1207 of the JAG1 protein (p.Ser1207Asn). This variant is not present in population databases (gnomAD no frequency). This variant has not been reported in the literature in individuals affected with JAG1-related conditions. ClinVar contains an entry for this variant (Variation ID: 2038139). Advanced modeling of protein sequence and biophysical properties (such as structural, functional, and spatial information, amino acid conservation, physicochemical variation, residue mobility, and thermodynamic stability) performed at Invitae indicates that this missense variant is not expected to disrupt JAG1 protein function. In summary, the available evidence is currently insufficient to determine the role of this variant in disease. Therefore, it has been classified as a Variant of Uncertain Significance.

PreventionGenetics, part of Exact Sciences
Classification: Uncertain significance for JAG1-related condition. Last evaluated: 2022-11-04. Review status: criteria provided, single submitter. Criteria: ACMG Guidelines, 2015. Collection method: clinical testing. Allele origin: germline.
Comment: The JAG1 c.3620G>A variant is predicted to result in the amino acid substitution p.Ser1207Asn. To our knowledge, this variant has not been reported in the literature or in a large population database, indicating this variant is rare. At this time, the clinical significance of this variant is uncertain due to the absence of conclusive functional and genetic evidence.